The following is an entry in ClinVar:

NM_006231.4(POLE):c.5902G>A (p.Glu1968Lys)

Gene: POLE (DNA polymerase epsilon, catalytic subunit; minus strand). Cytogenetic location: 12q24.33.
Variant type: single nucleotide variant.
Coding change: c.5902G>A on transcript NM_006231.4 (MANE Select); coding-DNA position 5902, G replaced by A.
Protein change: p.Glu1968Lys; replaces glutamic acid 1968 with lysine.
Molecular consequence: missense variant.
Genome position (GRCh38, 1-based): chr12:132,634,288, C>T on the plus strand (G>A on the coding strand, the complement: POLE is on the minus strand). VCF-style: chr12-132634288-C-T. GRCh37 (hg19) VCF-style: chr12-133210874-C-T.
Other names: short protein forms E1968K.
Identifiers: ClinVar variation 4741762 (VCV004741762.1).

ClinVar aggregate classification (germline): Uncertain significance (1 of 4 stars; one submission).

Submission:

Labcorp Genetics (formerly Invitae), Labcorp
Classification: Uncertain significance. Last evaluated: 2025-10-13. Review status: criteria provided, single submitter. Criteria: Invitae Variant Classification Sherloc (09022015). Collection method: clinical testing. Allele origin: germline.
Comment: This sequence change replaces glutamic acid, which is acidic and polar, with lysine, which is basic and polar, at codon 1968 of the POLE protein (p.Glu1968Lys). This variant is not present in population databases (gnomAD no frequency). This variant has not been reported in the literature in individuals affected with POLE-related conditions. An algorithm developed to predict the effect of missense changes on protein structure and function (PolyPhen-2) suggests that this variant is likely to be tolerated. In summary, the available evidence is currently insufficient to determine the role of this variant in disease. Therefore, it has been classified as a Variant of Uncertain Significance.